The following is an entry in ClinVar:

NM_000465.4(BARD1):c.1740ACA[1] (p.Gln582del)

Gene: BARD1 (BRCA1 associated RING domain 1; minus strand). Cytogenetic location: 2q35.
Variant type: Microsatellite.
Coding change: c.1740ACA[1] on transcript NM_000465.4 (MANE Select); one copy of the 3-base unit ACA starting at c.1740; the reference has two copies in a row; one copy, 3 bases deleted.
Protein change: p.Gln582del; deletes glutamine 582.
Molecular consequence: inframe deletion. On other transcripts: non-coding transcript variant (3), intron variant (1).
Genome position (GRCh38, 1-based): chr2:214,745,787-214,745,789, TGT deleted on the plus strand (ACA on the coding strand, the reverse complement: BARD1 is on the minus strand); deleting any 3 consecutive bases within chr2:214,745,787-214,745,793 gives the same sequence; the position shown is the placement nearest the transcript's 3' end. VCF-style (leftmost placement, unchanged base first): chr2-214745786-CTGT-C. GRCh37 (hg19) VCF-style: chr2-215610510-CTGT-C.
Other names: c.1683ACA[1], p.Gln563del (NM_001282543.2); c.387ACA[1], p.Gln131del (NM_001282545.2); c.330ACA[1], p.Gln112del (NM_001282548.2); c.365-15281_365-15279del (NM_001282549.2); short protein forms Q582del, Q112del, Q563del, Q131del.
Identifiers: ClinVar variation 2724593 (VCV002724593.3), dbSNP rs2469342829, ClinGen allele CA2662970356.

ClinVar aggregate classification (germline): Uncertain significance (1 of 4 stars; one submission).

Conditions:
Familial cancer of breast. Also called: hereditary breast carcinoma; BREAST CANCER, FAMILIAL; Hereditary breast cancer. Identifiers: Orphanet 227535, MedGen C0346153, MONDO:0016419, OMIM 114480. Disease mechanism: loss of function.

Submission:

Labcorp Genetics (formerly Invitae), Labcorp
Classification: Uncertain significance for Familial cancer of breast. Last evaluated: 2023-04-25. Review status: criteria provided, single submitter. Criteria: Invitae Variant Classification Sherloc (09022015). Collection method: clinical testing. Allele origin: germline.
Comment: This variant is not present in population databases (gnomAD no frequency). This variant has not been reported in the literature in individuals affected with BARD1-related conditions. Experimental studies and prediction algorithms are not available or were not evaluated, and the functional significance of this variant is currently unknown. In summary, the available evidence is currently insufficient to determine the role of this variant in disease. Therefore, it has been classified as a Variant of Uncertain Significance. This variant, c.1743_1745del, results in the deletion of 1 amino acid(s) of the BARD1 protein (p.Gln582del), but otherwise preserves the integrity of the reading frame.